The following is an entry in ClinVar:

ClinVar aggregate classification (germline): Uncertain significance (1 of 4 stars; one submission).

Conditions:
Cardiovascular phenotype. Identifiers: MedGen CN230736.

Submission:

Ambry Genetics
Classification: Uncertain significance for Cardiovascular phenotype. Last evaluated: 2019-11-19. Review status: criteria provided, single submitter. Criteria: Ambry Variant Classification Scheme 2023. Collection method: clinical testing. Allele origin: germline.
Comment: The p.*289QEXT*42 variant (also known as c.865T>C), located in coding exon 15 of the TNNT2 gene, results from a T to C substitution at nucleotide position 865, which is the last nucleotide of the TNNT2 gene. The stop codon at position 289 is replaced by glutamine, resulting in an elongation of the protein by 42 amino acids. This change occurs at the 3' terminus of TNNT2, is not expected to trigger nonsense-mediated mRNA decay, and results in the elongation of the protein by 42 amino acids. The exact functional impact of these inserted amino acids is unknown at this time. Since supporting evidence is limited at this time, the clinical significance of this alteration remains unclear.

NM_001276345.2(TNNT2):c.895T>C (p.Ter299Gln)

Gene: TNNT2 (troponin T2, cardiac type; minus strand). Cytogenetic location: 1q32.1.
Variant type: single nucleotide variant.
Coding change: c.895T>C on transcript NM_001276345.2 (MANE Select); coding-DNA position 895, T replaced by C.
Protein change: p.Ter299Gln.
Molecular consequence: stop lost.
Genome position (GRCh38, 1-based): chr1:201,359,212, A>G on the plus strand (T>C on the coding strand, the complement: TNNT2 is on the minus strand). VCF-style: chr1-201359212-A-G. GRCh37 (hg19) VCF-style: chr1-201328340-A-G.
Other names: c.886T>C, p.Ter296Gln (NM_000364.4, NM_001406723.1); c.865T>C, p.Ter289Gln (NM_001001430.3, NM_001276347.2, NM_001406724.1); c.856T>C, p.Ter286Gln (NM_001001431.3, NM_001406726.1, NM_001406727.1); c.847T>C, p.Ter283Gln (NM_001001432.3); c.766T>C, p.Ter256Gln (NM_001276346.2); c.862T>C, p.Ter288Gln (NM_001406725.1); c.850T>C, p.Ter284Gln (NM_001406728.1).
Identifiers: ClinVar variation 1764222 (VCV001764222.2), dbSNP rs2526877218, ClinGen allele CA344201818.